The following is an entry in ClinVar:

NC_000013.10:g.(?_29233226)_(29233344_?)dup

Gene: POMP (proteasome maturation protein; plus strand). Cytogenetic location: 13q12.3.
Variant type: Duplication.
Identifiers: ClinVar variation 1412000 (VCV001412000.5).

ClinVar aggregate classification (germline): Uncertain significance (1 of 4 stars; one submission).

Submission:

Labcorp Genetics (formerly Invitae), Labcorp
Classification: Uncertain significance. Last evaluated: 2023-03-01. Review status: criteria provided, single submitter. Criteria: Invitae Variant Classification Sherloc (09022015). Collection method: clinical testing. Allele origin: germline.
Comment: This variant results in a copy number gain of the genomic region encompassing exon(s) 1 of the POMP gene. This region includes the initiator codon of the gene. This copy number gain extends beyond the assayed region for this gene and therefore may encompass additional genes. As the precise location of this event is unknown, it may be in tandem or it may be located elsewhere in the genome. This variant has not been reported in the literature in individuals affected with POMP-related conditions. In summary, the available evidence is currently insufficient to determine the role of this variant in disease. Therefore, it has been classified as a Variant of Uncertain Significance.